The following is an entry in ClinVar:

ClinVar aggregate classification (germline): Pathogenic (1 of 4 stars; one submission).

Conditions:
Walker-Warburg congenital muscular dystrophy. Also called: Muscular dystrophy-dystroglycanopathy, type A; Walker-Warburg syndrome. Identifiers: Orphanet 899, MedGen C0265221, MONDO:0000171.

Submission:

Labcorp Genetics (formerly Invitae), Labcorp
Classification: Pathogenic for Walker-Warburg congenital muscular dystrophy. Last evaluated: 2021-06-02. Review status: criteria provided, single submitter. Criteria: Invitae Variant Classification Sherloc (09022015). Collection method: clinical testing. Allele origin: germline.
Comment: This variant disrupts the C-terminus of the FKRP protein. Other variant(s) that disrupt this region (p.Gln460*) have been determined to be pathogenic (PMID: 16476814, Invitae). This suggests that variants that disrupt this region of the protein are likely to be causative of disease. This variant has not been reported in the literature in individuals with FKRP-related conditions. This variant is not present in population databases (ExAC no frequency). This sequence change creates a premature translational stop signal (p.Leu452Cysfs*38) in the FKRP gene. While this is not anticipated to result in nonsense mediated decay, it is expected to disrupt the last 44 amino acid(s) of the FKRP protein. For these reasons, this variant has been classified as Pathogenic.

Literature cited by the submitters: PubMed 16476814.

NM_024301.5(FKRP):c.1354del (p.Leu452fs)

Gene: FKRP (fukutin related protein; plus strand). Cytogenetic location: 19q13.32.
Variant type: Deletion.
Coding change: c.1354del on transcript NM_024301.5 (MANE Select); coding-DNA position 1354, one base deleted (C; older notation c.1354delC).
Protein change: p.Leu452fs; shifts the reading frame from leucine 452.
Molecular consequence: frameshift variant.
Genome position (GRCh38, 1-based): chr19:46,756,804, C deleted; the last of 4 consecutive C bases (chr19:46,756,801-46,756,804); deleting any one gives the same sequence. VCF-style (leftmost placement, unchanged base first): chr19-46756800-GC-G. GRCh37 (hg19) VCF-style: chr19-47260057-GC-G.
Other names: c.1354del, p.Leu452fs (NM_001039885.3); short protein forms L452fs.
Identifiers: ClinVar variation 1378149 (VCV001378149.8), dbSNP rs2122635879, ClinGen allele CA2573156482.